The following is an entry in ClinVar:

NM_016363.5(GP6):c.1003C>T (p.Arg335Cys)

Gene: GP6 (glycoprotein VI platelet; minus strand). Cytogenetic location: 19q13.42.
Variant type: single nucleotide variant.
Coding change: c.1003C>T on transcript NM_016363.5 (MANE Select); coding-DNA position 1003, C replaced by T.
Protein change: p.Arg335Cys; replaces arginine 335 with cysteine.
Molecular consequence: missense variant.
Genome position (GRCh38, 1-based): chr19:55,014,938, G>A on the plus strand (C>T on the coding strand, the complement: GP6 is on the minus strand). VCF-style: chr19-55014938-G-A. GRCh37 (hg19) VCF-style: chr19-55526306-G-A.
Other names: c.1007C>T, p.Pro336Leu (NM_001083899.2); c.949C>T, p.Arg317Cys (NM_001256017.2); short protein forms R335C, R317C, P336L.
Identifiers: ClinVar variation 2726550 (VCV002726550.1), dbSNP rs201413568, ClinGen allele CA310121665.

ClinVar aggregate classification (germline): Uncertain significance (1 of 4 stars; one submission).

Allele frequency attached by ClinVar (database versions not stated): TOPMed 0.00007; gnomAD exomes 0.00008; gnomAD 0.00010; ExAC 0.00011; 1000 Genomes Project 30x 0.00031; 1000 Genomes Project 0.00040.
gnomAD v4.1: 137 of 1,613,638 alleles (0.0085%); highest among the groups gnomAD compares: South Asian, 0.033%; no homozygotes.

Submission:

Labcorp Genetics (formerly Invitae), Labcorp
Classification: Uncertain significance. Last evaluated: 2023-11-21. Review status: criteria provided, single submitter. Criteria: Invitae Variant Classification Sherloc (09022015). Collection method: clinical testing. Allele origin: germline.
Comment: This sequence change replaces proline, which is neutral and non-polar, with leucine, which is neutral and non-polar, at codon 336 of the GP6 protein (p.Pro336Leu). This variant is present in population databases (rs201413568, gnomAD 0.05%). This variant has not been reported in the literature in individuals affected with GP6-related conditions. Algorithms developed to predict the effect of missense changes on protein structure and function output the following: SIFT: "Not Available"; PolyPhen-2: "Probably Damaging"; Align-GVGD: "Not Available". The leucine amino acid residue is found in multiple mammalian species, which suggests that this missense change does not adversely affect protein function. In summary, the available evidence is currently insufficient to determine the role of this variant in disease. Therefore, it has been classified as a Variant of Uncertain Significance.